The following is an entry in ClinVar:

NM_182961.4(SYNE1):c.11609A>G (p.Glu3870Gly)

Gene: SYNE1 (spectrin repeat containing nuclear envelope protein 1; minus strand). Cytogenetic location: 6q25.2.
Variant type: single nucleotide variant.
Coding change: c.11609A>G on transcript NM_182961.4 (MANE Select); coding-DNA position 11609, A replaced by G.
Protein change: p.Glu3870Gly; replaces glutamic acid 3870 with glycine.
Molecular consequence: missense variant.
Genome position (GRCh38, 1-based): chr6:152,350,742, T>C on the plus strand (A>G on the coding strand, the complement: SYNE1 is on the minus strand). VCF-style: chr6-152350742-T-C. GRCh37 (hg19) VCF-style: chr6-152671877-T-C.
Other names: c.11564A>G, p.Glu3855Gly (NM_033071.5); short protein forms E3855G, E3870G.
Identifiers: ClinVar variation 288299 (VCV000288299.6), dbSNP rs771572017, ClinGen allele CA4056640.
Genomic context (GRCh38, chr6:152,350,742, plus strand): 5'-ACGTCCTGCACCAGTTCCAAAAGAGCTTCACCCTTCTCTCTCACTGACTTTACTGATGGT[T>C]CATGGGACAGCACCGTTTGTTGAAGTGACTTGAATTACAAAGAAAAAAAAATGAGCCTGC-3'
Protein context (NP_892006.3, residues 3860-3880): KSLQQTVLSH[Glu3870Gly]PSVKSVREKG

ClinVar aggregate classification (germline): Uncertain significance. Review status: criteria provided, multiple submitters, no conflicts (2 of 4 stars). 2 submissions from 2 submitters: Uncertain significance (2). Last evaluated 2022-10-17.

Conditions:
Autosomal recessive ataxia, Beauce type. Also called: Spinocerebellar ataxia, autosomal recessive 8; ATAXIA, RECESSIVE, OF BEAUCE; SYNE1 Deficiency; SYNE1-Related Autosomal Recessive Cerebellar Ataxia. Identifiers: Orphanet 88644, MedGen C1853116, MONDO:0012549, OMIM 610743.
Emery-Dreifuss muscular dystrophy 4, autosomal dominant (EDMD4). Also called: EMERY-DREIFUSS MUSCULAR DYSTROPHY 4 WITH VARIABLE FEATURES. Identifiers: Orphanet 261, MedGen C2751807, MONDO:0013071, OMIM 612998.

Allele frequency attached by ClinVar (database versions not stated): ExAC 0.00001; gnomAD exomes 0.00001 and 0.00002.
gnomAD v4.1: 4 of 1,613,738 alleles (0.00025%); highest among the groups gnomAD compares: Admixed American, 0.0067%; 1 homozygote.

Submissions (2):

Labcorp Genetics (formerly Invitae), Labcorp
Classification: Uncertain significance for Emery-Dreifuss muscular dystrophy 4, autosomal dominant; Autosomal recessive ataxia, Beauce type. Last evaluated: 2022-10-17. Review status: criteria provided, single submitter. Criteria: Invitae Variant Classification Sherloc (09022015). Collection method: clinical testing. Allele origin: germline.
Comment: This sequence change replaces glutamic acid, which is acidic and polar, with glycine, which is neutral and non-polar, at codon 3855 of the SYNE1 protein (p.Glu3855Gly). This variant is present in population databases (rs771572017, gnomAD 0.01%). This variant has not been reported in the literature in individuals affected with SYNE1-related conditions. ClinVar contains an entry for this variant (Variation ID: 288299). Algorithms developed to predict the effect of missense changes on protein structure and function (SIFT, PolyPhen-2, Align-GVGD) all suggest that this variant is likely to be disruptive. In summary, the available evidence is currently insufficient to determine the role of this variant in disease. Therefore, it has been classified as a Variant of Uncertain Significance.

Eurofins Ntd Llc (ga)
Classification: Uncertain significance. Last evaluated: 2016-06-22. Review status: criteria provided, single submitter. Criteria: EGL Classification Definitions 2015. Collection method: clinical testing. Allele origin: germline. Observed: 1 variant allele, 1 heterozygote.